The following is an entry in ClinVar:

NM_173354.5(SIK1):c.739A>G (p.Met247Val)

Gene: SIK1 (salt inducible kinase 1; minus strand). Cytogenetic location: 21q22.3.
Variant type: single nucleotide variant.
Coding change: c.739A>G on transcript NM_173354.5 (MANE Select); coding-DNA position 739, A replaced by G.
Protein change: p.Met247Val; replaces methionine 247 with valine.
Molecular consequence: missense variant.
Genome position (GRCh38, 1-based): chr21:43,421,019, T>C on the plus strand (A>G on the coding strand, the complement: SIK1 is on the minus strand). VCF-style: chr21-43421019-T-C. GRCh37 (hg19) VCF-style: chr21-44840899-T-C.
Other names: short protein forms M247V.
Identifiers: ClinVar variation 3637834 (VCV003637834.2).

ClinVar aggregate classification (germline): Uncertain significance (1 of 4 stars; one submission).

Conditions:
Developmental and epileptic encephalopathy, 30 (DEE30). Also called: Epileptic encephalopathy, early infantile, 30. Identifiers: MedGen C4225360, MONDO:0014595, OMIM 616341.

Submission:

Labcorp Genetics (formerly Invitae), Labcorp
Classification: Uncertain significance for Developmental and epileptic encephalopathy, 30. Last evaluated: 2024-02-13. Review status: criteria provided, single submitter. Criteria: Invitae Variant Classification Sherloc (09022015). Collection method: clinical testing. Allele origin: germline.
Comment: This sequence change replaces methionine, which is neutral and non-polar, with valine, which is neutral and non-polar, at codon 247 of the SIK1 protein (p.Met247Val). The frequency data for this variant in the population databases is considered unreliable, as metrics indicate poor data quality at this position in the gnomAD database. This variant has not been reported in the literature in individuals affected with SIK1-related conditions. Advanced modeling of protein sequence and biophysical properties (such as structural, functional, and spatial information, amino acid conservation, physicochemical variation, residue mobility, and thermodynamic stability) performed at Invitae indicates that this missense variant is not expected to disrupt SIK1 protein function with a negative predictive value of 95%. In summary, the available evidence is currently insufficient to determine the role of this variant in disease. Therefore, it has been classified as a Variant of Uncertain Significance.